The following is an entry in ClinVar:

ClinVar aggregate classification (germline): Uncertain significance (1 of 4 stars; one submission).

Submission:

Athena Diagnostics
Classification: Uncertain significance. Last evaluated: 2022-12-15. Review status: criteria provided, single submitter. Criteria: Athena Diagnostics Criteria. Collection method: clinical testing. Allele origin: unknown.
Comment: Available data are insufficient to determine the clinical significance of the variant at this time. This variant has not been reported in large, multi-ethnic general populations. Computational tools yielded predictions that this variant is unlikely to have an effect on normal RNA splicing.

NM_001009944.3(PKD1):c.1256_1258del (p.Cys419del)

Gene: PKD1 (polycystin 1, transient receptor potential channel interacting; minus strand). Cytogenetic location: 16p13.3.
Variant type: Deletion.
Coding change: c.1256_1258del on transcript NM_001009944.3 (MANE Select); coding-DNA positions 1256 to 1258, 3 bases deleted (GCT; older notation c.1256_1258delGCT).
Protein change: p.Cys419del; deletes cysteine 419.
Molecular consequence: inframe deletion.
Genome position (GRCh38, 1-based): chr16:2,117,616-2,117,618, AGC deleted on the plus strand (GCT on the coding strand, the reverse complement: PKD1 is on the minus strand); deleting any 3 consecutive bases within chr16:2,117,616-2,117,620 gives the same sequence; the c. name uses the placement nearest the transcript's 3' end. VCF-style (leftmost placement, unchanged base first): chr16-2117615-TAGC-T. GRCh37 (hg19) VCF-style: chr16-2167616-TAGC-T.
Other names: c.1256_1258del, p.Cys419del (NM_000296.4); short protein forms C419del.
Identifiers: ClinVar variation 2684296 (VCV002684296.1), dbSNP rs2544876293, ClinGen allele CA2697549518.